The following is an entry in ClinVar:

NM_001267550.2(TTN):c.27328G>T (p.Ala9110Ser)

Gene: TTN (titin; minus strand). Cytogenetic location: 2q31.2.
Variant type: single nucleotide variant.
Coding change: c.27328G>T on transcript NM_001267550.2 (MANE Select); coding-DNA position 27328, G replaced by T.
Protein change: p.Ala9110Ser; replaces alanine 9110 with serine.
Molecular consequence: missense variant. On other transcripts: intron variant (3).
Genome position (GRCh38, 1-based): chr2:178,712,697, C>A on the plus strand (G>T on the coding strand, the complement: TTN is on the minus strand). VCF-style: chr2-178712697-C-A. GRCh37 (hg19) VCF-style: chr2-179577424-C-A.
Other names: c.26377G>T, p.Ala8793Ser (NM_001256850.1); c.23596G>T, p.Ala7866Ser (NM_133378.4); c.13282+25385G>T (NM_003319.4); c.13858+25385G>T (NM_133437.4); c.13657+25385G>T (NM_133432.3); short protein forms A7866S, A8793S, A9110S.
Identifiers: ClinVar variation 3748111 (VCV003748111.2).

ClinVar aggregate classification (germline): Uncertain significance (1 of 4 stars; one submission).

Conditions:
Dilated cardiomyopathy 1G (CMD1G). Identifiers: Orphanet 154, MedGen C1858763, MONDO:0011400, OMIM 604145.
Autosomal recessive limb-girdle muscular dystrophy type 2J (LGMDR10). Also called: Limb-girdle muscular dystrophy, type 2J; MUSCULAR DYSTROPHY, LIMB-GIRDLE, AUTOSOMAL RECESSIVE 10. Identifiers: Orphanet 140922, MedGen C1837342, MONDO:0012127, OMIM 608807.

Submission:

Labcorp Genetics (formerly Invitae), Labcorp
Classification: Uncertain significance for Dilated cardiomyopathy 1G; Autosomal recessive limb-girdle muscular dystrophy type 2J. Last evaluated: 2024-10-10. Review status: criteria provided, single submitter. Criteria: Invitae Variant Classification Sherloc (09022015). Collection method: clinical testing. Allele origin: germline.
Comment: This sequence change replaces alanine, which is neutral and non-polar, with serine, which is neutral and polar, at codon 9110 of the TTN protein (p.Ala9110Ser). This variant also falls at the last nucleotide of exon 94, which is part of the consensus splice site for this exon. This variant is not present in population databases (gnomAD no frequency). This variant has not been reported in the literature in individuals affected with TTN-related conditions. Experimental studies and prediction algorithms are not available or were not evaluated, and the functional significance of this variant is currently unknown. Variants that disrupt the consensus splice site are a relatively common cause of aberrant splicing (PMID: 17576681, 9536098). Algorithms developed to predict the effect of sequence changes on RNA splicing suggest that this variant may disrupt the consensus splice site. This variant is located in the I band of TTN (PMID: 25589632). Non-truncating variants in this region may be clinically relevant, but have not been definitively shown to cause cardiomyopathy or neuromuscular disease (PMID: 27493940, 32778822). In summary, the available evidence is currently insufficient to determine the role of this variant in disease. Therefore, it has been classified as a Variant of Uncertain Significance.

Literature cited by the submitters: PubMed 17576681; PubMed 9536098; PubMed 25589632; PubMed 27493940; PubMed 32778822.